The following is an entry in ClinVar:

NM_004817.4(TJP2):c.1968A>G (p.Lys656=)

Gene: TJP2 (tight junction protein 2; plus strand). Cytogenetic location: 9q21.11.
Variant type: single nucleotide variant.
Coding change: c.1968A>G on transcript NM_004817.4 (MANE Select); coding-DNA position 1968, A replaced by G.
Protein change: p.Lys656=; no amino-acid change (lysine 656 retained).
Molecular consequence: synonymous variant.
Genome position (GRCh38, 1-based): chr9:69,236,215, A>G. VCF-style: chr9-69236215-A-G. GRCh37 (hg19) VCF-style: chr9-71851131-A-G.
Other names: c.1899A>G, p.Lys633= (NM_001170414.2, NM_001369871.1); c.1980A>G, p.Lys660= (NM_001170415.1, NM_001369874.1, NM_001369875.1); c.2061A>G, p.Lys687= (NM_001170416.2); c.1893A>G, p.Lys631= (NM_001369870.1); c.1968A>G, p.Lys656= (NM_001369872.1, NM_001369873.1, NM_201629.3).
Identifiers: ClinVar variation 5000287 (VCV005000287.1).

ClinVar aggregate classification (germline): Likely benign (1 of 4 stars; one submission).

Conditions:
TJP2-related disorder. Also called: TJP2-related condition.

gnomAD v4.1: 1 of 1,614,088 alleles (0.000062%); highest among the groups gnomAD compares: Non-Finnish European, 0.000085%; no homozygotes.

Submission:

PreventionGenetics, part of Exact Sciences
Classification: Likely benign for TJP2-related condition. Last evaluated: 2025-01-23. Review status: criteria provided, single submitter. Criteria: ACMG Guidelines, 2015. Collection method: clinical testing. Allele origin: germline.
Comment: This variant is classified as likely benign based on ACMG/AMP sequence variant interpretation guidelines (Richards et al. 2015 PMID: 25741868, with internal and published modifications).